The following is an entry in ClinVar:

NM_001458.5(FLNC):c.868A>G (p.Asn290Asp)

Gene: FLNC (filamin C; plus strand). Cytogenetic location: 7q32.1.
Variant type: single nucleotide variant.
Coding change: c.868A>G on transcript NM_001458.5 (MANE Select); coding-DNA position 868, A replaced by G.
Protein change: p.Asn290Asp; replaces asparagine 290 with aspartic acid.
Molecular consequence: missense variant.
Genome position (GRCh38, 1-based): chr7:128,837,654, A>G. VCF-style: chr7-128837654-A-G. GRCh37 (hg19) VCF-style: chr7-128477708-A-G.
Other names: c.868A>G, p.Asn290Asp (NM_001127487.2); short protein forms N290D.
Identifiers: ClinVar variation 1007896 (VCV001007896.13), dbSNP rs1329109141, ClinGen allele CA369222915.

ClinVar aggregate classification (germline): Uncertain significance. Review status: criteria provided, multiple submitters, no conflicts (2 of 4 stars). 4 submissions from 4 submitters: Uncertain significance (4). Last evaluated 2025-01-26.

Conditions:
Dilated Cardiomyopathy, Dominant.
Hypertrophic cardiomyopathy 26. Also called: Cardiomyopathy, familial hypertrophic, 26. Identifiers: Orphanet 75249, MedGen C4310749, MONDO:0014883, OMIM 617047.
Myofibrillar myopathy 5. Also called: Filaminopathy (type); FILAMINOPATHY, AUTOSOMAL DOMINANT. Identifiers: Orphanet 171445, MedGen C1836050, MONDO:0012289, OMIM 609524.
Distal myopathy with posterior leg and anterior hand involvement. Also called: WILLIAMS DISTAL MYOPATHY. Identifiers: Orphanet 63273, MedGen C3279722, MONDO:0013550, OMIM 614065.
Cardiovascular phenotype. Identifiers: MedGen CN230736.

Allele frequency attached by ClinVar (database versions not stated): gnomAD exomes below 0.00001 and 0.00001.
gnomAD v4.1: 4 of 1,612,702 alleles (0.00025%); highest among the groups gnomAD compares: Non-Finnish European, 0.00034%; no homozygotes.

Submissions (4):

Ambry Genetics
Classification: Uncertain significance for Cardiovascular phenotype. Last evaluated: 2025-01-26. Review status: criteria provided, single submitter. Criteria: Ambry Variant Classification Scheme 2023. Collection method: clinical testing. Allele origin: germline.

Labcorp Genetics (formerly Invitae), Labcorp
Classification: Uncertain significance for Distal myopathy with posterior leg and anterior hand involvement; Myofibrillar myopathy 5; Hypertrophic cardiomyopathy 26. Last evaluated: 2024-08-12. Review status: criteria provided, single submitter. Criteria: Invitae Variant Classification Sherloc (09022015). Collection method: clinical testing. Allele origin: germline.
Comment: This sequence change replaces asparagine, which is neutral and polar, with aspartic acid, which is acidic and polar, at codon 290 of the FLNC protein (p.Asn290Asp). This variant is present in population databases (no rsID available, gnomAD 0.0009%). This variant has not been reported in the literature in individuals affected with FLNC-related conditions. ClinVar contains an entry for this variant (Variation ID: 1007896). Advanced modeling of protein sequence and biophysical properties (such as structural, functional, and spatial information, amino acid conservation, physicochemical variation, residue mobility, and thermodynamic stability) has been performed at Invitae for this missense variant, however the output from this modeling did not meet the statistical confidence thresholds required to predict the impact of this variant on FLNC protein function. In summary, the available evidence is currently insufficient to determine the role of this variant in disease. Therefore, it has been classified as a Variant of Uncertain Significance.

Blueprint Genetics
Classification: Uncertain significance. Last evaluated: 2024-06-10. Review status: criteria provided, single submitter. Criteria: ACMG Guidelines, 2015. Collection method: clinical testing. Allele origin: germline.

GeneDx
Classification: Uncertain significance. Last evaluated: 2023-11-07. Review status: criteria provided, single submitter. Criteria: GeneDx Variant Classification Process June 2021. Collection method: clinical testing. Allele origin: germline.
Comment: Not observed at significant frequency in large population cohorts (gnomAD); In silico analysis supports that this missense variant has a deleterious effect on protein structure/function; Has not been previously published as pathogenic or benign to our knowledge